The following is an entry in ClinVar:

ClinVar aggregate classification (germline): Uncertain significance. Review status: criteria provided, multiple submitters, no conflicts (2 of 4 stars). 2 submissions from 2 submitters: Uncertain significance (2). Last evaluated 2025-08-30.

Conditions:
Inborn genetic diseases. Identifiers: MedGen C0950123, MeSH D030342.

Allele frequency attached by ClinVar (database versions not stated): gnomAD 0.00001; gnomAD exomes 0.00001 and 0.00002; TOPMed 0.00001.
gnomAD v4.1: 26 of 1,613,508 alleles (0.0016%); highest among the groups gnomAD compares: Non-Finnish European, 0.0021%; no homozygotes.

Submissions (2):

Ambry Genetics
Classification: Uncertain significance for Inborn genetic diseases. Last evaluated: 2025-08-30. Review status: criteria provided, single submitter. Criteria: Ambry Variant Classification Scheme 2023. Collection method: clinical testing. Allele origin: germline.

Labcorp Genetics (formerly Invitae), Labcorp
Classification: Uncertain significance. Last evaluated: 2021-08-22. Review status: criteria provided, single submitter. Criteria: Invitae Variant Classification Sherloc (09022015). Collection method: clinical testing. Allele origin: germline.
Comment: This sequence change replaces proline with histidine at codon 2003 of the PCLO protein (p.Pro2003His). The proline residue is moderately conserved and there is a moderate physicochemical difference between proline and histidine. This variant is not present in population databases (ExAC no frequency). This variant has not been reported in the literature in individuals affected with PCLO-related conditions. Algorithms developed to predict the effect of missense changes on protein structure and function are either unavailable or do not agree on the potential impact of this missense change (SIFT: "Deleterious"; PolyPhen-2: "Not Available"; Align-GVGD: "Class C0"). In summary, the available evidence is currently insufficient to determine the role of this variant in disease. Therefore, it has been classified as a Variant of Uncertain Significance.

NM_033026.6(PCLO):c.6008C>A (p.Pro2003His)

Gene: PCLO (piccolo presynaptic cytomatrix protein; minus strand). Cytogenetic location: 7q21.11.
Variant type: single nucleotide variant.
Coding change: c.6008C>A on transcript NM_033026.6 (MANE Select); coding-DNA position 6008, C replaced by A.
Protein change: p.Pro2003His; replaces proline 2003 with histidine.
Molecular consequence: missense variant.
Genome position (GRCh38, 1-based): chr7:82,954,945, G>T on the plus strand (C>A on the coding strand, the complement: PCLO is on the minus strand). VCF-style: chr7-82954945-G-T. GRCh37 (hg19) VCF-style: chr7-82584261-G-T.
Other names: c.6008C>A (NM_033026.5); c.6008C>A, p.Pro2003His (NM_014510.3); short protein forms P2003H.
Identifiers: ClinVar variation 1412738 (VCV001412738.4), dbSNP rs1365160982, ClinGen allele CA367921021.